The following is an entry in ClinVar:

NM_015466.4(PTPN23):c.2439G>A (p.Met813Ile)

Gene: PTPN23 (protein tyrosine phosphatase non-receptor type 23; plus strand). Cytogenetic location: 3p21.31.
Variant type: single nucleotide variant.
Coding change: c.2439G>A on transcript NM_015466.4 (MANE Select); coding-DNA position 2439, G replaced by A.
Protein change: p.Met813Ile; replaces methionine 813 with isoleucine.
Molecular consequence: missense variant.
Genome position (GRCh38, 1-based): chr3:47,410,237, G>A. VCF-style: chr3-47410237-G-A. GRCh37 (hg19) VCF-style: chr3-47451727-G-A.
Other names: c.2439G>A (NM_015466.2); c.2061G>A, p.Met687Ile (NM_001304482.2); short protein forms M813I, M687I.
Identifiers: ClinVar variation 1932676 (VCV001932676.3), dbSNP rs994906360, ClinGen allele CA73880148.

ClinVar aggregate classification (germline): Uncertain significance. Review status: criteria provided, multiple submitters, no conflicts (2 of 4 stars). 2 submissions from 2 submitters: Uncertain significance (2). Last evaluated 2025-07-12.

Conditions:
Inborn genetic diseases. Identifiers: MedGen C0950123, MeSH D030342.

Allele frequency attached by ClinVar (database versions not stated): gnomAD 0.00003; TOPMed 0.00003.
gnomAD v4.1: 4 of 1,611,142 alleles (0.00025%); highest among the groups gnomAD compares: African/African-American, 0.0053%; no homozygotes.

Submissions (2):

Ambry Genetics
Classification: Uncertain significance for Inborn genetic diseases. Last evaluated: 2025-07-12. Review status: criteria provided, single submitter. Criteria: Ambry Variant Classification Scheme 2023. Collection method: clinical testing. Allele origin: germline.

Labcorp Genetics (formerly Invitae), Labcorp
Classification: Uncertain significance. Last evaluated: 2022-04-23. Review status: criteria provided, single submitter. Criteria: Invitae Variant Classification Sherloc (09022015). Collection method: clinical testing. Allele origin: germline.
Comment: This sequence change replaces methionine, which is neutral and non-polar, with isoleucine, which is neutral and non-polar, at codon 813 of the PTPN23 protein (p.Met813Ile). This variant is present in population databases (no rsID available, gnomAD 0.01%). This variant has not been reported in the literature in individuals affected with PTPN23-related conditions. Algorithms developed to predict the effect of missense changes on protein structure and function are either unavailable or do not agree on the potential impact of this missense change (SIFT: "Tolerated"; PolyPhen-2: "Not Available"; Align-GVGD: "Class C0"). In summary, the available evidence is currently insufficient to determine the role of this variant in disease. Therefore, it has been classified as a Variant of Uncertain Significance.